The following is an entry in ClinVar:

NM_006946.4(SPTBN2):c.7096C>T (p.Pro2366Ser)

Gene: SPTBN2 (spectrin beta, non-erythrocytic 2; minus strand). Cytogenetic location: 11q13.2.
Variant type: single nucleotide variant.
Coding change: c.7096C>T on transcript NM_006946.4 (MANE Select); coding-DNA position 7096, C replaced by T.
Protein change: p.Pro2366Ser; replaces proline 2366 with serine.
Molecular consequence: missense variant.
Genome position (GRCh38, 1-based): chr11:66,685,948, G>A on the plus strand (C>T on the coding strand, the complement: SPTBN2 is on the minus strand). VCF-style: chr11-66685948-G-A. GRCh37 (hg19) VCF-style: chr11-66453419-G-A.
Other names: short protein forms P2366S.
Identifiers: ClinVar variation 931441 (VCV000931441.3), dbSNP rs1940076802, ClinGen allele CA381452511.

ClinVar aggregate classification (germline): Uncertain significance (1 of 4 stars; one submission).

Conditions:
Spinocerebellar ataxia type 5 (SCA5). Identifiers: Orphanet 98766, MedGen C0752123, MONDO:0010848, OMIM 600224.

Allele frequency attached by ClinVar (database versions not stated): gnomAD exomes below 0.00001.
gnomAD v4.1: 1 of 1,613,854 alleles (0.000062%); highest among the groups gnomAD compares: Non-Finnish European, 0.000085%; no homozygotes.

Submission:

Centre for Mendelian Genomics, University Medical Centre Ljubljana
Classification: Uncertain significance for Spinocerebellar ataxia type 5. Last evaluated: 2019-05-07. Review status: criteria provided, single submitter. Criteria: ACMG Guidelines, 2015. Collection method: clinical testing. Allele origin: unknown. Affected: yes.
Comment: This variant was classified as: Uncertain significance. The available evidence on this variant's pathogenicity is insufficient or conflicting. The following ACMG criteria were applied in classifying this variant: PM2.